The following is an entry in ClinVar:

ClinVar aggregate classification (germline): Likely benign. Review status: criteria provided, single submitter (1 of 4 stars). 2 submissions from 2 submitters: Likely benign (1). 1 of the submissions does not count toward it. Last evaluated 2025-12-30.

Conditions:
FREM2-related disorder. Also called: FREM2-related condition.

Allele frequency attached by ClinVar (database versions not stated): TOPMed 0.00008; gnomAD 0.00010; 1000 Genomes Project 30x 0.00016; 1000 Genomes Project 0.00020; gnomAD exomes 0.00022 and 0.00024; ExAC 0.00038.
gnomAD v4.1: 362 of 1,614,188 alleles (0.022%); highest among the groups gnomAD compares: Non-Finnish European, 0.026%; 1 homozygote.

Submissions (2):

Labcorp Genetics (formerly Invitae), Labcorp
Classification: Likely benign. Last evaluated: 2025-12-30. Review status: criteria provided, single submitter. Criteria: Invitae Variant Classification Sherloc (09022015). Collection method: clinical testing. Allele origin: germline.

PreventionGenetics, part of Exact Sciences
Classification: Likely benign for FREM2-related condition. Last evaluated: 2021-10-04. Review status: no assertion criteria provided. Collection method: clinical testing. Allele origin: germline. Not counted in ClinVar's aggregate classification.
Comment: This variant is classified as likely benign based on ACMG/AMP sequence variant interpretation guidelines (Richards et al. 2015 PMID: 25741868, with internal and published modifications).

NM_207361.6(FREM2):c.4702C>T (p.Leu1568=)

Gene: FREM2 (FRAS1 related extracellular matrix 2; plus strand). Cytogenetic location: 13q13.3.
Variant type: single nucleotide variant.
Coding change: c.4702C>T on transcript NM_207361.6 (MANE Select); coding-DNA position 4702, C replaced by T.
Protein change: p.Leu1568=; no amino-acid change (leucine 1568 retained).
Molecular consequence: synonymous variant.
Genome position (GRCh38, 1-based): chr13:38,692,046, C>T. VCF-style: chr13-38692046-C-T. GRCh37 (hg19) VCF-style: chr13-39266183-C-T.
Identifiers: ClinVar variation 762305 (VCV000762305.8), dbSNP rs558845582, ClinGen allele CA6955056.
Genomic context (GRCh38, chr13:38,692,046, plus strand): 5'-AACAAGCTGATTACTCCTTTTGAGCTCACTGTCGAAGACAGAGATACTCCTGACAAGCTC[C>T]TGAAATTCACTATCACCCAGGTGCCTATTCATGGCCATCTCCTATTCAACAATACCAGAC-3'
Protein context (NP_997244.4, residues 1558-1578): VEDRDTPDKL[Leu1568=]KFTITQVPIH